The following is an entry in ClinVar:

NM_007294.4(BRCA1):c.5330C>A (p.Thr1777Lys)

Gene: BRCA1 (BRCA1 DNA repair associated; minus strand). Cytogenetic location: 17q21.31.
Variant type: single nucleotide variant.
Coding change: c.5330C>A on transcript NM_007294.4 (MANE Select); coding-DNA position 5330, C replaced by A.
Protein change: p.Thr1777Lys; replaces threonine 1777 with lysine.
Molecular consequence: missense variant. On other transcripts: non-coding transcript variant (1).
Genome position (GRCh38, 1-based): chr17:43,051,065, G>T on the plus strand (C>A on the coding strand, the complement: BRCA1 is on the minus strand). VCF-style: chr17-43051065-G-T. GRCh37 (hg19) VCF-style: chr17-41203082-G-T.
Other names: c.5189C>A, p.Thr1730Lys (NM_001407696.1, NM_001407697.1, NM_007297.4 and 13 more transcripts); c.5186C>A, p.Thr1729Lys (NM_001407733.1, NM_001407734.1, NM_001407735.1 and 21 more transcripts); c.5183C>A, p.Thr1728Lys (NM_001407838.1, NM_001407839.1, NM_001407841.1 and 12 more transcripts); c.5327C>A, p.Thr1776Lys (NM_001407860.1, NM_001407610.1, NM_001407611.1 and 17 more transcripts); c.5324C>A, p.Thr1775Lys (NM_001407861.1, NM_001407627.1, NM_001407628.1 and 14 more transcripts); c.5129C>A, p.Thr1710Lys (NM_001407862.1); c.5126C>A, p.Thr1709Lys (NM_001407863.1); c.5123C>A, p.Thr1708Lys (NM_001407874.1, NM_001407875.1); and 72 more; short protein forms T1798K, T673K, T1730K, T1777K, T1481K, T1666K, T1707K, T1709K.
Identifiers: ClinVar variation 867995 (VCV000867995.3), dbSNP rs398122696, ClinGen allele CA10590893.
Genomic context (GRCh38, chr17:43,051,065, plus strand): 5'-CTCCACTATGTAAGACAAAGGCTGGTGCTGGAACTCTGGGGTTCTCCCAGGCTCTTACCT[G>T]TGGGCATGTTGGTGAAGGGCCCATAGCAACAGATTTCTAGCCCCCTGAAGATCTGGAAGA-3'
Protein context (NP_009225.1, residues 1767-1787): CCYGPFTNMP[Thr1777Lys]DQLEWMVQLC

Conditions:
Breast-ovarian cancer, familial, susceptibility to, 1 (BROVCA1). Also called: BRCA1 Hereditary Breast and Ovarian Cancer; OVARIAN CANCER, SUSCEPTIBILITY TO. Identifiers: Orphanet 145, MedGen C2676676, MONDO:0011450, OMIM 604370. Disease mechanism: loss of function.

Submission:

Brotman Baty Institute, University of Washington
No classification provided (evidence only). Condition: Breast-ovarian cancer, familial 1. Review status: no classification provided. Collection method: in vitro. Allele origin: not applicable. Functional consequence: functionally_normal.
ClinVar note: "not provided" was previously submitted as the classification for the variant. However, the classification appeared to be based only on an observation of functional data so it was converted to no classification on 2025-07-30.